The following is an entry in ClinVar:

ClinVar aggregate classification (germline): Uncertain significance (1 of 4 stars; one submission).

gnomAD v4.1: 5 of 1,613,418 alleles (0.00031%); highest among the groups gnomAD compares: Non-Finnish European, 0.00042%; no homozygotes.

Submission:

Labcorp Genetics (formerly Invitae), Labcorp
Classification: Uncertain significance. Last evaluated: 2024-05-29. Review status: criteria provided, single submitter. Criteria: Invitae Variant Classification Sherloc (09022015). Collection method: clinical testing. Allele origin: germline.
Comment: This sequence change replaces arginine, which is basic and polar, with glutamine, which is neutral and polar, at codon 66 of the ARHGAP31 protein (p.Arg66Gln). The frequency data for this variant in the population databases is considered unreliable, as metrics indicate poor data quality at this position in the gnomAD database. This variant has not been reported in the literature in individuals affected with ARHGAP31-related conditions. An algorithm developed to predict the effect of missense changes on protein structure and function (PolyPhen-2) suggests that this variant is likely to be disruptive. In summary, the available evidence is currently insufficient to determine the role of this variant in disease. Therefore, it has been classified as a Variant of Uncertain Significance.

NM_020754.4(ARHGAP31):c.197G>A (p.Arg66Gln)

Gene: ARHGAP31 (Rho GTPase activating protein 31; plus strand). Cytogenetic location: 3q13.33.
Variant type: single nucleotide variant.
Coding change: c.197G>A on transcript NM_020754.4 (MANE Select); coding-DNA position 197, G replaced by A.
Protein change: p.Arg66Gln; replaces arginine 66 with glutamine.
Molecular consequence: missense variant.
Genome position (GRCh38, 1-based): chr3:119,365,412, G>A. VCF-style: chr3-119365412-G-A. GRCh37 (hg19) VCF-style: chr3-119084259-G-A.
Other names: short protein forms R66Q.
Identifiers: ClinVar variation 3618527 (VCV003618527.2).